The following is an entry in ClinVar:

ClinVar aggregate classification (germline): Uncertain significance. Review status: criteria provided, multiple submitters, no conflicts (2 of 4 stars). 2 submissions from 2 submitters: Uncertain significance (2). Last evaluated 2025-05-25.

Conditions:
Inborn genetic diseases. Identifiers: MedGen C0950123, MeSH D030342.

gnomAD v4.1: 31 of 1,551,866 alleles (0.002%); highest among the groups gnomAD compares: Middle Eastern, 0.034%; no homozygotes.

Submissions (2):

Ambry Genetics
Classification: Uncertain significance for Inborn genetic diseases. Last evaluated: 2025-05-25. Review status: criteria provided, single submitter. Criteria: Ambry Variant Classification Scheme 2023. Collection method: clinical testing. Allele origin: germline.

Labcorp Genetics (formerly Invitae), Labcorp
Classification: Uncertain significance. Last evaluated: 2024-10-22. Review status: criteria provided, single submitter. Criteria: Invitae Variant Classification Sherloc (09022015). Collection method: clinical testing. Allele origin: germline.
Comment: This sequence change replaces glutamine, which is neutral and polar, with proline, which is neutral and non-polar, at codon 24 of the COL7A1 protein (p.Gln24Pro). This variant is present in population databases (no rsID available, gnomAD 0.005%). This variant has not been reported in the literature in individuals affected with COL7A1-related conditions. Invitae Evidence Modeling of protein sequence and biophysical properties (such as structural, functional, and spatial information, amino acid conservation, physicochemical variation, residue mobility, and thermodynamic stability) indicates that this missense variant is not expected to disrupt COL7A1 protein function with a negative predictive value of 95%. In summary, the available evidence is currently insufficient to determine the role of this variant in disease. Therefore, it has been classified as a Variant of Uncertain Significance.

NM_000094.4(COL7A1):c.71A>C (p.Gln24Pro)

Gene: COL7A1 (collagen type VII alpha 1 chain; minus strand). Cytogenetic location: 3p21.31.
Variant type: single nucleotide variant.
Coding change: c.71A>C on transcript NM_000094.4 (MANE Select); coding-DNA position 71, A replaced by C.
Protein change: p.Gln24Pro; replaces glutamine 24 with proline.
Molecular consequence: missense variant.
Genome position (GRCh38, 1-based): chr3:48,595,089, T>G on the plus strand (A>C on the coding strand, the complement: COL7A1 is on the minus strand). VCF-style: chr3-48595089-T-G. GRCh37 (hg19) VCF-style: chr3-48632522-T-G.
Other names: short protein forms Q24P.
Identifiers: ClinVar variation 3717596 (VCV003717596.3).